The following is an entry in ClinVar:

NM_001297.5(CNGB1):c.2181C>T (p.Asp727=)

Gene: CNGB1 (cyclic nucleotide gated channel subunit beta 1; minus strand). Cytogenetic location: 16q21.
Variant type: single nucleotide variant.
Coding change: c.2181C>T on transcript NM_001297.5 (MANE Select); coding-DNA position 2181, C replaced by T.
Protein change: p.Asp727=; no amino-acid change (aspartic acid 727 retained).
Molecular consequence: synonymous variant.
Genome position (GRCh38, 1-based): chr16:57,916,165, G>A on the plus strand (C>T on the coding strand, the complement: CNGB1 is on the minus strand). VCF-style: chr16-57916165-G-A. GRCh37 (hg19) VCF-style: chr16-57950069-G-A.
Other names: c.2163C>T, p.Asp721= (NM_001286130.2); c.2181C>T (NM_001297.4).
Identifiers: ClinVar variation 1591350 (VCV001591350.10), dbSNP rs184804201, ClinGen allele CA8083133.

ClinVar aggregate classification (germline): Likely benign. Review status: criteria provided, multiple submitters, no conflicts (2 of 4 stars). 3 submissions from 3 submitters: Likely benign (3). Last evaluated 2025-10-21.

Conditions:
CNGB1-related disorder. Also called: CNGB1-related condition.

Allele frequency attached by ClinVar (database versions not stated): gnomAD 0.00001; gnomAD exomes 0.00001 and 0.00004; TOPMed 0.00004; ExAC 0.00005; 1000 Genomes Project 0.00020; 1000 Genomes Project 30x 0.00031.
gnomAD v4.1: 21 of 1,613,886 alleles (0.0013%); highest among the groups gnomAD compares: East Asian, 0.033%; no homozygotes.

Submissions (3):

Labcorp Genetics (formerly Invitae), Labcorp
Classification: Likely benign. Last evaluated: 2025-10-21. Review status: criteria provided, single submitter. Criteria: Invitae Variant Classification Sherloc (09022015). Collection method: clinical testing. Allele origin: germline.

PreventionGenetics, part of Exact Sciences
Classification: Likely benign for CNGB1-related condition. Last evaluated: 2025-02-13. Review status: criteria provided, single submitter. Criteria: ACMG Guidelines, 2015. Collection method: clinical testing. Allele origin: germline.
Comment: This variant is classified as likely benign based on ACMG/AMP sequence variant interpretation guidelines (Richards et al. 2015 PMID: 25741868, with internal and published modifications).

Blueprint Genetics
Classification: Likely benign. Last evaluated: 2023-11-29. Review status: criteria provided, single submitter. Criteria: ACMG Guidelines, 2015. Collection method: clinical testing. Allele origin: germline.